The following is an entry in ClinVar:

ClinVar aggregate classification (germline): Uncertain significance (1 of 4 stars; one submission).

Conditions:
Intellectual disability. Also called: Intellectual developmental disorder; Intellectual functioning disability; intellectual disabilities. Identifiers: MedGen C3714756, MeSH D008607, MONDO:0001071, HP:0001249.

Allele frequency attached by ClinVar (database versions not stated): gnomAD 0.00001; gnomAD exomes below 0.00001; TOPMed 0.00001.
gnomAD v4.1: 5 of 1,209,974 alleles (0.00041%); highest among the groups gnomAD compares: Non-Finnish European, 0.00056%; no homozygotes.

Submission:

Broad Center for Mendelian Genomics, Broad Institute of MIT and Harvard
Classification: Uncertain significance for Intellectual disability. Last evaluated: 2022-05-04. Review status: criteria provided, single submitter. Criteria: ACMG Guidelines, 2015. Collection method: curation. Allele origin: germline. Inheritance: X-linked inheritance.
Comment: The variant has not been previously reported in individuals with intellectual disability and was absent from large population studies. Computational prediction tools, including splice predictors, and conservation analyses suggest that this variant may not impact the protein, though this information is not predictive enough to rule out pathogenicity. In summary, the clinical significance of the p.Thr152Asn variant is uncertain. ACMG/AMP Criteria applied: PM2, BP4 (Richards 2015).

NM_001318510.2(ACSL4):c.332C>A (p.Thr111Asn)

Gene: ACSL4 (acyl-CoA synthetase long chain family member 4; minus strand). Cytogenetic location: Xq23.
Variant type: single nucleotide variant.
Coding change: c.332C>A on transcript NM_001318510.2 (MANE Select); coding-DNA position 332, C replaced by A.
Protein change: p.Thr111Asn; replaces threonine 111 with asparagine.
Molecular consequence: missense variant.
Genome position (GRCh38, 1-based): chrX:109,682,793, G>T on the plus strand (C>A on the coding strand, the complement: ACSL4 is on the minus strand). VCF-style: chrX-109682793-G-T. GRCh37 (hg19) VCF-style: chrX-108926022-G-T.
Other names: NM_004458.3:c.332C>A; c.455C>A, p.Thr152Asn (NM_001318509.2, NM_022977.3); c.332C>A, p.Thr111Asn (NM_004458.3); short protein forms T111N, T152N.
Identifiers: ClinVar variation 1679824 (VCV001679824.1), dbSNP rs1412919038, ClinGen allele CA414218593.